The following is an entry in ClinVar:

ClinVar aggregate classification (germline): Uncertain significance (1 of 4 stars; one submission).

Allele frequency attached by ClinVar (database versions not stated): gnomAD exomes 0.00001; ExAC 0.00002; gnomAD 0.00003.
gnomAD v4.1: 17 of 1,613,828 alleles (0.0011%); highest among the groups gnomAD compares: South Asian, 0.018%; 1 homozygote.

Submission:

Labcorp Genetics (formerly Invitae), Labcorp
Classification: Uncertain significance. Last evaluated: 2025-09-13. Review status: criteria provided, single submitter. Criteria: Invitae Variant Classification Sherloc (09022015). Collection method: clinical testing. Allele origin: germline.
Comment: This sequence change replaces serine, which is neutral and polar, with isoleucine, which is neutral and non-polar, at codon 540 of the ALPK3 protein (p.Ser540Ile). This variant is present in population databases (rs751709092, gnomAD 0.02%), including at least one homozygous and/or hemizygous individual. This variant has not been reported in the literature in individuals affected with ALPK3-related conditions. ClinVar contains an entry for this variant (Variation ID: 2994404). An algorithm developed to predict the effect of missense changes on protein structure and function (PolyPhen-2) suggests that this variant is likely to be tolerated. In summary, the available evidence is currently insufficient to determine the role of this variant in disease. Therefore, it has been classified as a Variant of Uncertain Significance.

NM_020778.5(ALPK3):c.1013G>T (p.Ser338Ile)

Gene: ALPK3 (alpha kinase 3; plus strand). Cytogenetic location: 15q25.3.
Variant type: single nucleotide variant.
Coding change: c.1013G>T on transcript NM_020778.5 (MANE Select); coding-DNA position 1013, G replaced by T.
Protein change: p.Ser338Ile; replaces serine 338 with isoleucine.
Molecular consequence: missense variant.
Genome position (GRCh38, 1-based): chr15:84,840,292, G>T. VCF-style: chr15-84840292-G-T. GRCh37 (hg19) VCF-style: chr15-85383523-G-T.
Other names: short protein forms S338I.
Identifiers: ClinVar variation 2994404 (VCV002994404.3), dbSNP rs751709092, ClinGen allele CA7709103.